The following is an entry in ClinVar:

NM_000170.3(GLDC):c.513G>C (p.Gly171=)

Gene: GLDC (glycine decarboxylase; minus strand). Cytogenetic location: 9p24.1.
Variant type: single nucleotide variant.
Coding change: c.513G>C on transcript NM_000170.3 (MANE Select); coding-DNA position 513, G replaced by C.
Protein change: p.Gly171=; no amino-acid change (glycine 171 retained).
Molecular consequence: synonymous variant.
Genome position (GRCh38, 1-based): chr9:6,610,314, C>G on the plus strand (G>C on the coding strand, the complement: GLDC is on the minus strand). VCF-style: chr9-6610314-C-G. GRCh37 (hg19) VCF-style: chr9-6610314-C-G.
Identifiers: ClinVar variation 56099 (VCV000056099.2), dbSNP rs386833581, ClinGen allele CA263426.

ClinVar aggregate classification (germline): Likely pathogenic (0 of 4 stars; one submission).

Conditions:
Glycine encephalopathy. Also called: Nonketotic hyperglycinemia; Non-ketotic hyperglycinemia. Identifiers: Orphanet 407, MedGen C0751748, MONDO:0011612, HP:0008288.

Allele frequency attached by ClinVar (database versions not stated): gnomAD exomes 0.00001.
gnomAD v4.1: 5 of 1,613,776 alleles (0.00031%); highest among the groups gnomAD compares: Non-Finnish European, 0.00042%; no homozygotes.

Submission:

Juha Muilu Group; Institute for Molecular Medicine Finland (FIMM)
Classification: Likely pathogenic for Non-ketotic hyperglycinemia. Review status: no assertion criteria provided. Collection method: not provided. Allele origin: unknown.
Comment: FinDis database variant: This variant was not found or characterized by our laboratory, data were collected from public sources: see reference
ClinVar note: Converted during submission from probable-pathogenic to Likely pathogenic.